The following is an entry in ClinVar:

NM_000097.7(CPOX):c.871G>T (p.Glu291Ter)

Gene: CPOX (coproporphyrinogen oxidase; minus strand). Cytogenetic location: 3q11.2.
Variant type: single nucleotide variant.
Coding change: c.871G>T on transcript NM_000097.7 (MANE Select); coding-DNA position 871, G replaced by T.
Protein change: p.Glu291Ter; replaces glutamic acid 291 with a stop codon.
Molecular consequence: nonsense.
Genome position (GRCh38, 1-based): chr3:98,588,795, C>A on the plus strand (G>T on the coding strand, the complement: CPOX is on the minus strand). VCF-style: chr3-98588795-C-A. GRCh37 (hg19) VCF-style: chr3-98307639-C-A.
Other names: short protein forms E291*.
Identifiers: ClinVar variation 2864548 (VCV002864548.3), dbSNP rs2472111423, ClinGen allele CA353645475.
Genomic context (GRCh38, chr3:98,588,795, plus strand): 5'-GATCTGGACCATGCTGGTCACAAGCCTCCTTCAGAGTTCTGTGAAAATGGACAGCGTCTT[C>A]TTGATTCAAGTATGTTGGAGTGAGGTCACATCCACCACCAAACCACCACTGCTTGTTGCC-3'

ClinVar aggregate classification (germline): Pathogenic (1 of 4 stars; one submission).

Submission:

Labcorp Genetics (formerly Invitae), Labcorp
Classification: Pathogenic. Last evaluated: 2023-05-15. Review status: criteria provided, single submitter. Criteria: Invitae Variant Classification Sherloc (09022015). Collection method: clinical testing. Allele origin: germline.
Comment: This sequence change creates a premature translational stop signal (p.Glu291*) in the CPOX gene. It is expected to result in an absent or disrupted protein product. Loss-of-function variants in CPOX are known to be pathogenic (PMID: 9888388). For these reasons, this variant has been classified as Pathogenic. Algorithms developed to predict the effect of sequence changes on RNA splicing suggest that this variant may disrupt the consensus splice site. This variant has not been reported in the literature in individuals affected with CPOX-related conditions. This variant is not present in population databases (gnomAD no frequency).

Literature cited by the submitters: PubMed 9888388.